The following is an entry in ClinVar:

ClinVar aggregate classification (germline): Likely benign. Review status: criteria provided, multiple submitters, no conflicts (2 of 4 stars). 2 submissions from 2 submitters: Likely benign (2). Last evaluated 2024-11-11.

Conditions:
Hereditary sensory neuropathy-deafness-dementia syndrome. Also called: HSN IE; Hereditary Sensory and Autonomic Neuropathy Type 1E (HSAN1E); Hereditary sensory neuropathy type IE; NEUROPATHY, HEREDITARY SENSORY, WITH HEARING LOSS AND DEMENTIA. Identifiers: Orphanet 456318, MedGen C3279885, MONDO:0013584, OMIM 614116.

Allele frequency attached by ClinVar (database versions not stated): TOPMed below 0.00001; ExAC 0.00001; gnomAD 0.00001; gnomAD exomes 0.00001; ESP Exome Variant Server 0.00008.
gnomAD v4.1: 11 of 1,605,204 alleles (0.00069%); highest among the groups gnomAD compares: South Asian, 0.0022%; no homozygotes.

Submissions (2):

Labcorp Genetics (formerly Invitae), Labcorp
Classification: Likely benign for Hereditary sensory neuropathy-deafness-dementia syndrome. Last evaluated: 2024-11-11. Review status: criteria provided, single submitter. Criteria: Invitae Variant Classification Sherloc (09022015). Collection method: clinical testing. Allele origin: germline.

GeneDx
Classification: Likely benign. Last evaluated: 2017-05-04. Review status: criteria provided, single submitter. Criteria: GeneDx Variant Classification (06012015). Collection method: clinical testing. Allele origin: germline. Affected: yes.
Comment: This variant is considered likely benign or benign based on one or more of the following criteria: it is a conservative change, it occurs at a poorly conserved position in the protein, it is predicted to be benign by multiple in silico algorithms, and/or has population frequency not consistent with disease.

NM_001130823.3(DNMT1):c.3963C>T (p.Gly1321=)

Gene: DNMT1 (DNA methyltransferase 1; minus strand). Cytogenetic location: 19p13.2.
Variant type: single nucleotide variant.
Coding change: c.3963C>T on transcript NM_001130823.3 (MANE Select); coding-DNA position 3963, C replaced by T.
Protein change: p.Gly1321=; no amino-acid change (glycine 1321 retained).
Molecular consequence: synonymous variant.
Genome position (GRCh38, 1-based): chr19:10,138,591, G>A on the plus strand (C>T on the coding strand, the complement: DNMT1 is on the minus strand). VCF-style: chr19-10138591-G-A. GRCh37 (hg19) VCF-style: chr19-10249267-G-A.
Other names: c.3963C>T (LRG_362t1); c.3915C>T, p.Gly1305= (NM_001318730.2, NM_001379.4); c.3600C>T, p.Gly1200= (NM_001318731.2).
Identifiers: ClinVar variation 506346 (VCV000506346.5), dbSNP rs375300708, ClinGen allele CA9187618.